The following is an entry in ClinVar:

NM_000171.4(GLRA1):c.1101T>A (p.Tyr367Ter)

Gene: GLRA1 (glycine receptor alpha 1; minus strand). Cytogenetic location: 5q33.1.
Variant type: single nucleotide variant.
Coding change: c.1101T>A on transcript NM_000171.4 (MANE Select); coding-DNA position 1101, T replaced by A.
Protein change: p.Tyr367Ter; replaces tyrosine 367 with a stop codon.
Molecular consequence: nonsense.
Genome position (GRCh38, 1-based): chr5:151,822,922, A>T on the plus strand (T>A on the coding strand, the complement: GLRA1 is on the minus strand). VCF-style: chr5-151822922-A-T. GRCh37 (hg19) VCF-style: chr5-151202483-A-T.
Other names: c.1125T>A, p.Tyr375Ter (NM_001146040.2); c.852T>A, p.Tyr284Ter (NM_001292000.2); short protein forms Y284*, Y367*, Y375*.
Identifiers: ClinVar variation 1436466 (VCV001436466.6), dbSNP rs758811460, ClinGen allele CA361850300.

ClinVar aggregate classification (germline): Pathogenic (1 of 4 stars; one submission).

Conditions:
Hereditary hyperekplexia. Identifiers: Orphanet 3197, MedGen C4084968, MONDO:0021022.

Submission:

Labcorp Genetics (formerly Invitae), Labcorp
Classification: Pathogenic for Hereditary hyperekplexia. Last evaluated: 2021-12-02. Review status: criteria provided, single submitter. Criteria: Invitae Variant Classification Sherloc (09022015). Collection method: clinical testing. Allele origin: germline.
Comment: For these reasons, this variant has been classified as Pathogenic. This variant disrupts a region of the GLRA1 protein in which other variant(s) (p.Arg420His) have been determined to be pathogenic (PMID: 10514101, 12169101, 19732286, 20631190, 25036534). This suggests that this is a clinically significant region of the protein, and that variants that disrupt it are likely to be disease-causing. Algorithms developed to predict the effect of sequence changes on RNA splicing suggest that this variant may create or strengthen a splice site. This variant has not been reported in the literature in individuals affected with GLRA1-related conditions. This variant is not present in population databases (gnomAD no frequency). This sequence change creates a premature translational stop signal (p.Tyr367*) in the GLRA1 gene. While this is not anticipated to result in nonsense mediated decay, it is expected to disrupt the last 83 amino acid(s) of the GLRA1 protein.

Literature cited by the submitters: PubMed 10514101; PubMed 12169101; PubMed 19732286; PubMed 20631190; PubMed 25036534.